The following is an entry in ClinVar:

ClinVar aggregate classification (germline): Pathogenic (1 of 4 stars; one submission).

Conditions:
Congenital myasthenic syndrome 11. Also called: MYASTHENIC SYNDROME, CONGENITAL, Ie; Myasthenic syndrome, congenital, 11, associated with acetylcholine receptor deficiency. Identifiers: Orphanet 590, MedGen C4225367, MONDO:0014588, OMIM 616326.
Fetal akinesia deformation sequence 1 (FADS1). Also called: Fetal akinesia sequence; Pena-Shokeir syndrome type I. Identifiers: Orphanet 994, MedGen C1276035, MONDO:0100101, OMIM 208150, HP:0001989.

Submission:

Labcorp Genetics (formerly Invitae), Labcorp
Classification: Pathogenic for Congenital myasthenic syndrome 11; Fetal akinesia deformation sequence 1. Last evaluated: 2025-10-05. Review status: criteria provided, single submitter. Criteria: Invitae Variant Classification Sherloc (09022015). Collection method: clinical testing. Allele origin: germline.
Comment: This sequence change creates a premature translational stop signal (p.Leu150Argfs*56) in the RAPSN gene. It is expected to result in an absent or disrupted protein product. Loss-of-function variants in RAPSN are known to be pathogenic (PMID: 17686188). This variant is not present in population databases (gnomAD no frequency). This variant has not been reported in the literature in individuals affected with RAPSN-related conditions. For these reasons, this variant has been classified as Pathogenic.

Literature cited by the submitters: PubMed 17686188.

NM_005055.5(RAPSN):c.439_446dup (p.Leu150fs)

Gene: RAPSN (receptor associated protein of the synapse; minus strand). Cytogenetic location: 11p11.2.
Variant type: Duplication.
Coding change: c.439_446dup on transcript NM_005055.5 (MANE Select); coding-DNA positions 439 to 446, 8 bases duplicated (GAGAAGGC; older notation c.439_446dupGAGAAGGC).
Protein change: p.Leu150fs; shifts the reading frame from leucine 150.
Molecular consequence: frameshift variant. On other transcripts: intron variant (1).
Genome position (GRCh38, 1-based): chr11:47,447,897-47,447,904, GCCTTCTC duplicated on the plus strand (GAGAAGGC on the coding strand, the reverse complement: RAPSN is on the minus strand); duplicating any 8 consecutive bases within chr11:47,447,897-47,447,905 gives the same sequence; the c. name uses the placement nearest the transcript's 3' end. VCF-style (leftmost placement, unchanged base first): chr11-47447896-G-GGCCTTCTC. GRCh37 (hg19) VCF-style: chr11-47469448-G-GGCCTTCTC.
Other names: c.439_446dup, p.Leu150fs (NM_001440490.1, NM_001440491.1, NM_001440492.1 and 12 more transcripts); c.192+869_192+876dup (NM_001440504.1); short protein forms L150fs.
Identifiers: ClinVar variation 4786326 (VCV004786326.1).